The following is an entry in ClinVar:

NM_206933.4(USH2A):c.8719A>C (p.Ser2907Arg)

Gene: USH2A (usherin; minus strand). Cytogenetic location: 1q41.
Variant type: single nucleotide variant.
Coding change: c.8719A>C on transcript NM_206933.4 (MANE Select); coding-DNA position 8719, A replaced by C.
Protein change: p.Ser2907Arg; replaces serine 2907 with arginine.
Molecular consequence: missense variant.
Genome position (GRCh38, 1-based): chr1:215,867,133, T>G on the plus strand (A>C on the coding strand, the complement: USH2A is on the minus strand). VCF-style: chr1-215867133-T-G. GRCh37 (hg19) VCF-style: chr1-216040475-T-G.
Other names: short protein forms S2907R.
Identifiers: ClinVar variation 1419948 (VCV001419948.3), dbSNP rs780709921, ClinGen allele CA1394529.

ClinVar aggregate classification (germline): Uncertain significance (1 of 4 stars; one submission).

Allele frequency attached by ClinVar (database versions not stated): gnomAD 0.00001; TOPMed 0.00001.
gnomAD v4.1: 7 of 1,614,024 alleles (0.00043%); highest among the groups gnomAD compares: Middle Eastern, 0.033%; no homozygotes.

Submission:

Labcorp Genetics (formerly Invitae), Labcorp
Classification: Uncertain significance. Last evaluated: 2022-03-09. Review status: criteria provided, single submitter. Criteria: Invitae Variant Classification Sherloc (09022015). Collection method: clinical testing. Allele origin: germline.
Comment: This sequence change replaces serine, which is neutral and polar, with arginine, which is basic and polar, at codon 2907 of the USH2A protein (p.Ser2907Arg). This variant is present in population databases (rs780709921, gnomAD 0.003%). This missense change has been observed in individual(s) with USH2A-related conditions (PMID: 31456290). Algorithms developed to predict the effect of missense changes on protein structure and function are either unavailable or do not agree on the potential impact of this missense change (SIFT: "Deleterious"; PolyPhen-2: "Possibly Damaging"; Align-GVGD: "Class C0"). In summary, the available evidence is currently insufficient to determine the role of this variant in disease. Therefore, it has been classified as a Variant of Uncertain Significance.

Literature cited by the submitters: PubMed 31456290.